The following is an entry in ClinVar:

NM_024496.4(IRF2BPL):c.996C>T (p.Pro332=)

Gene: IRF2BPL (interferon regulatory factor 2 binding protein like; minus strand). Cytogenetic location: 14q24.3.
Variant type: single nucleotide variant.
Coding change: c.996C>T on transcript NM_024496.4 (MANE Select); coding-DNA position 996, C replaced by T.
Protein change: p.Pro332=; no amino-acid change (proline 332 retained).
Molecular consequence: synonymous variant.
Genome position (GRCh38, 1-based): chr14:77,026,797, G>A on the plus strand (C>T on the coding strand, the complement: IRF2BPL is on the minus strand). VCF-style: chr14-77026797-G-A. GRCh37 (hg19) VCF-style: chr14-77493140-G-A.
Identifiers: ClinVar variation 4922594 (VCV004922594.2).

ClinVar aggregate classification (germline): Likely benign. Review status: criteria provided, multiple submitters, no conflicts (2 of 4 stars). 2 submissions from 2 submitters: Likely benign (2). Last evaluated 2026-08-01.

Submissions (2):

CeGaT Center for Human Genetics Tuebingen
Classification: Likely benign. Last evaluated: 2026-08-01. Review status: criteria provided, single submitter. Criteria: CeGaT Center For Human Genetics Tuebingen Variant Classification Criteria Version 2. Collection method: clinical testing. Allele origin: germline. Affected: yes. Observed: 1 variant allele.
Comment: IRF2BPL: BP4, BP7, BS1

Blueprint Genetics
Classification: Likely benign. Last evaluated: 2024-05-03. Review status: criteria provided, single submitter. Criteria: ACMG Guidelines, 2015. Collection method: clinical testing. Allele origin: germline.